The following is an entry in ClinVar:

NM_018060.4(IARS2):c.1929G>A (p.Arg643=)

Gene: IARS2 (isoleucyl-tRNA synthetase 2, mitochondrial; plus strand). Cytogenetic location: 1q41.
Variant type: single nucleotide variant.
Coding change: c.1929G>A on transcript NM_018060.4 (MANE Select); coding-DNA position 1929, G replaced by A.
Protein change: p.Arg643=; no amino-acid change (arginine 643 retained).
Molecular consequence: synonymous variant.
Genome position (GRCh38, 1-based): chr1:220,134,493, G>A. VCF-style: chr1-220134493-G-A. GRCh37 (hg19) VCF-style: chr1-220307835-G-A.
Identifiers: ClinVar variation 3251104 (VCV003251104.18), dbSNP rs2528567192.

ClinVar aggregate classification (germline): Likely benign (1 of 4 stars; one submission).

Submission:

CeGaT Center for Human Genetics Tuebingen
Classification: Likely benign. Last evaluated: 2024-06-01. Review status: criteria provided, single submitter. Criteria: CeGaT Center For Human Genetics Tuebingen Variant Classification Criteria Version 2. Collection method: clinical testing. Allele origin: germline. Affected: yes. Observed: 1 variant allele.
Comment: IARS2: PM2:Supporting, BP4, BP7